The following is an entry in ClinVar:

ClinVar aggregate classification (germline): Uncertain significance. Review status: criteria provided, multiple submitters, no conflicts (2 of 4 stars). 2 submissions from 2 submitters: Uncertain significance (2). Last evaluated 2025-08-04.

Conditions:
Inborn genetic diseases. Identifiers: MedGen C0950123, MeSH D030342.

Allele frequency attached by ClinVar (database versions not stated): gnomAD exomes below 0.00001 and 0.00001; TOPMed below 0.00001; gnomAD 0.00001.
gnomAD v4.1: 12 of 1,613,976 alleles (0.00074%); highest among the groups gnomAD compares: African/African-American, 0.0013%; no homozygotes.

Submissions (2):

Ambry Genetics
Classification: Uncertain significance for Inborn genetic diseases. Last evaluated: 2025-08-04. Review status: criteria provided, single submitter. Criteria: Ambry Variant Classification Scheme 2023. Collection method: clinical testing. Allele origin: germline.

Labcorp Genetics (formerly Invitae), Labcorp
Classification: Uncertain significance. Last evaluated: 2025-06-06. Review status: criteria provided, single submitter. Criteria: Invitae Variant Classification Sherloc (09022015). Collection method: clinical testing. Allele origin: germline.
Comment: This sequence change replaces arginine, which is basic and polar, with cysteine, which is neutral and slightly polar, at codon 1127 of the TRPM1 protein (p.Arg1127Cys). This variant is present in population databases (no rsID available, gnomAD 0.01%). This variant has not been reported in the literature in individuals affected with TRPM1-related conditions. ClinVar contains an entry for this variant (Variation ID: 1347809). Invitae Evidence Modeling of protein sequence and biophysical properties (such as structural, functional, and spatial information, amino acid conservation, physicochemical variation, residue mobility, and thermodynamic stability) indicates that this missense variant is not expected to disrupt TRPM1 protein function with a negative predictive value of 95%. In summary, the available evidence is currently insufficient to determine the role of this variant in disease. Therefore, it has been classified as a Variant of Uncertain Significance.

NM_001252024.2(TRPM1):c.3445C>T (p.Arg1149Cys)

Genes: TRPM1 (transient receptor potential cation channel subfamily M member 1; minus strand), TRPM1-AS1 (TRPM1 antisense RNA 1; plus strand), LOC126862088 (BRD4-independent group 4 enhancer GRCh37_chr15:31318084-31319283; plus strand). Cytogenetic location: 15q13.3.
Variant type: single nucleotide variant.
Coding change: c.3445C>T on transcript NM_001252024.2 (MANE Select); coding-DNA position 3445, C replaced by T.
Protein change: p.Arg1149Cys; replaces arginine 1149 with cysteine.
Molecular consequence: missense variant.
Genome position (GRCh38, 1-based): chr15:31,026,966, G>A on the plus strand (C>T on the coding strand, the complement: TRPM1 is on the minus strand). VCF-style: chr15-31026966-G-A. GRCh37 (hg19) VCF-style: chr15-31319169-G-A.
Other names: c.3496C>T, p.Arg1166Cys (NM_001252020.2); c.3379C>T, p.Arg1127Cys (NM_002420.6); c.3379C>T (NM_002420.4); short protein forms R1166C, R1127C, R1149C.
Identifiers: ClinVar variation 1347809 (VCV001347809.8), dbSNP rs1227087168, ClinGen allele CA391541369.
Genomic context (GRCh38, chr15:31,026,966, plus strand): 5'-TGCACATACTCAATCCACGATCCCGTTCCTCTTGGTCCCCTTCTCTCTTTTTCCTGCAGC[G>A]GCCGCTGAGACGCATAATGATGATGTAGATGTGGCTTAAAATGATCATCGGTGGGGGCAG-3'
Protein context (NP_001238953.1, residues 1139-1159): IYIIIMRLSG[Arg1149Cys]CRKKREGDQE